The following is an entry in ClinVar:

ClinVar aggregate classification (germline): Uncertain significance (1 of 4 stars; one submission).

Conditions:
Cryopyrin associated periodic syndrome (CAPS). Identifiers: Orphanet 208650, MedGen C2316212, MONDO:0016168.

Submission:

Labcorp Genetics (formerly Invitae), Labcorp
Classification: Uncertain significance for Cryopyrin associated periodic syndrome. Last evaluated: 2024-06-03. Review status: criteria provided, single submitter. Criteria: Invitae Variant Classification Sherloc (09022015). Collection method: clinical testing. Allele origin: germline.
Comment: This sequence change replaces valine, which is neutral and non-polar, with methionine, which is neutral and non-polar, at codon 267 of the NLRP3 protein (p.Val267Met). This variant is not present in population databases (gnomAD no frequency). This variant has not been reported in the literature in individuals affected with NLRP3-related conditions. ClinVar contains an entry for this variant (Variation ID: 1720450). Advanced modeling of protein sequence and biophysical properties (such as structural, functional, and spatial information, amino acid conservation, physicochemical variation, residue mobility, and thermodynamic stability) performed at Invitae indicates that this missense variant is not expected to disrupt NLRP3 protein function with a negative predictive value of 95%. In summary, the available evidence is currently insufficient to determine the role of this variant in disease. Therefore, it has been classified as a Variant of Uncertain Significance.

NM_001243133.2(NLRP3):c.793G>A (p.Val265Met)

Gene: NLRP3 (NLR family pyrin domain containing 3; plus strand). Cytogenetic location: 1q44.
Variant type: single nucleotide variant.
Coding change: c.793G>A on transcript NM_001243133.2 (MANE Select); coding-DNA position 793, G replaced by A.
Protein change: p.Val265Met; replaces valine 265 with methionine.
Molecular consequence: missense variant.
Genome position (GRCh38, 1-based): chr1:247,424,242, G>A. VCF-style: chr1-247424242-G-A. GRCh37 (hg19) VCF-style: chr1-247587544-G-A.
Other names: c.793G>A, p.Val265Met (NM_001079821.3, NM_001127461.3, NM_001127462.3 and 1 more transcripts); c.799G>A, p.Val267Met (NM_004895.5); short protein forms V265M, V267M.
Identifiers: ClinVar variation 1720450 (VCV001720450.5), dbSNP rs1558190430, ClinGen allele CA345555435.